The following is an entry in ClinVar:

NM_000883.4(IMPDH1):c.1551-4G>A

Gene: IMPDH1 (inosine monophosphate dehydrogenase 1; minus strand). Cytogenetic location: 7q32.1.
Variant type: single nucleotide variant.
Coding change: c.1551-4G>A on transcript NM_000883.4 (MANE Select); 4 bases into the intron before coding-DNA position 1551, G replaced by A.
Molecular consequence: intron variant.
Genome position (GRCh38, 1-based): chr7:128,394,603, C>T on the plus strand (G>A on the coding strand, the complement: IMPDH1 is on the minus strand). VCF-style: chr7-128394603-C-T. GRCh37 (hg19) VCF-style: chr7-128034657-C-T.
Other names: c.1551-4G>A (NM_000883.3); c.1344-4G>A (NM_001304521.2); c.1443-4G>A (NM_183243.3); c.1521-4G>A (NM_001102605.2); c.1452-4G>A (NM_001142576.2); c.1221-4G>A (NM_001142575.2); c.1281-4G>A (NM_001142574.2); c.1296-4G>A (NM_001142573.2).
Identifiers: ClinVar variation 1599945 (VCV001599945.10), dbSNP rs376431130, ClinGen allele CA4470792.

ClinVar aggregate classification (germline): Benign/Likely benign. Review status: criteria provided, multiple submitters, no conflicts (2 of 4 stars). 3 submissions from 3 submitters: Benign (1); Likely benign (2). Last evaluated 2026-01-05.

Conditions:
IMPDH1-related disorder. Also called: IMPDH1-related disorders; IMPDH1-related condition.

Allele frequency attached by ClinVar (database versions not stated): ESP Exome Variant Server 0.00008; 1000 Genomes Project 30x 0.00016; 1000 Genomes Project 0.00020.
gnomAD v4.1: 58 of 1,613,314 alleles (0.0036%); highest among the groups gnomAD compares: East Asian, 0.076%; no homozygotes.

Submissions (3):

Labcorp Genetics (formerly Invitae), Labcorp
Classification: Benign. Last evaluated: 2026-01-05. Review status: criteria provided, single submitter. Criteria: Invitae Variant Classification Sherloc (09022015). Collection method: clinical testing. Allele origin: germline.

PreventionGenetics, part of Exact Sciences
Classification: Likely benign for IMPDH1-related condition. Last evaluated: 2025-03-06. Review status: criteria provided, single submitter. Criteria: ACMG Guidelines, 2015. Collection method: clinical testing. Allele origin: germline.
Comment: This variant is classified as likely benign based on ACMG/AMP sequence variant interpretation guidelines (Richards et al. 2015 PMID: 25741868, with internal and published modifications).

Blueprint Genetics
Classification: Likely benign. Last evaluated: 2021-11-11. Review status: criteria provided, single submitter. Criteria: ACMG Guidelines, 2015. Collection method: clinical testing. Allele origin: germline.